The following is an entry in ClinVar:

ClinVar aggregate classification (germline): Uncertain significance. Review status: criteria provided, multiple submitters, no conflicts (2 of 4 stars). 4 submissions from 4 submitters: Uncertain significance (4). Last evaluated 2022-09-27.

Conditions:
Autosomal recessive ataxia, Beauce type. Also called: Spinocerebellar ataxia, autosomal recessive 8; ATAXIA, RECESSIVE, OF BEAUCE; SYNE1 Deficiency; SYNE1-Related Autosomal Recessive Cerebellar Ataxia. Identifiers: Orphanet 88644, MedGen C1853116, MONDO:0012549, OMIM 610743.
Emery-Dreifuss muscular dystrophy 4, autosomal dominant (EDMD4). Also called: EMERY-DREIFUSS MUSCULAR DYSTROPHY 4 WITH VARIABLE FEATURES. Identifiers: Orphanet 261, MedGen C2751807, MONDO:0013071, OMIM 612998.

Allele frequency attached by ClinVar (database versions not stated): gnomAD exomes 0.00001; ExAC 0.00002; gnomAD 0.00004 and 0.00005; TOPMed 0.00004; ESP Exome Variant Server 0.00008; 1000 Genomes Project 30x 0.00031.
gnomAD v4.1: 14 of 1,614,080 alleles (0.00087%); highest among the groups gnomAD compares: African/African-American, 0.011%; no homozygotes.

Submissions (4):

Labcorp Genetics (formerly Invitae), Labcorp
Classification: Uncertain significance for Emery-Dreifuss muscular dystrophy 4, autosomal dominant; Autosomal recessive ataxia, Beauce type. Last evaluated: 2022-09-27. Review status: criteria provided, single submitter. Criteria: Invitae Variant Classification Sherloc (09022015). Collection method: clinical testing. Allele origin: germline.
Comment: In summary, the available evidence is currently insufficient to determine the role of this variant in disease. Therefore, it has been classified as a Variant of Uncertain Significance. Algorithms developed to predict the effect of missense changes on protein structure and function are either unavailable or do not agree on the potential impact of this missense change (SIFT: "Deleterious"; PolyPhen-2: "Probably Damaging"; Align-GVGD: "Class C0"). ClinVar contains an entry for this variant (Variation ID: 289641). This variant has not been reported in the literature in individuals affected with SYNE1-related conditions. This variant is present in population databases (rs371375804, gnomAD 0.02%). This sequence change replaces glutamic acid, which is acidic and polar, with lysine, which is basic and polar, at codon 4526 of the SYNE1 protein (p.Glu4526Lys).

Athena Diagnostics
Classification: Uncertain significance. Last evaluated: 2021-02-03. Review status: criteria provided, single submitter. Criteria: Athena Diagnostics criteria. Collection method: clinical testing. Allele origin: unknown.

Revvity Omics, Revvity
Classification: Uncertain significance. Last evaluated: 2020-10-05. Review status: criteria provided, single submitter. Criteria: ACMG Guidelines, 2015. Collection method: clinical testing. Allele origin: germline.

Eurofins Ntd Llc (ga)
Classification: Uncertain significance. Last evaluated: 2016-08-22. Review status: criteria provided, single submitter. Criteria: EGL Classification Definitions 2015. Collection method: clinical testing. Allele origin: germline. Observed: 1 variant allele, 1 heterozygote.

NM_182961.4(SYNE1):c.13789G>A (p.Glu4597Lys)

Gene: SYNE1 (spectrin repeat containing nuclear envelope protein 1; minus strand). Cytogenetic location: 6q25.2.
Variant type: single nucleotide variant.
Coding change: c.13789G>A on transcript NM_182961.4 (MANE Select); coding-DNA position 13789, G replaced by A.
Protein change: p.Glu4597Lys; replaces glutamic acid 4597 with lysine.
Molecular consequence: missense variant.
Genome position (GRCh38, 1-based): chr6:152,330,896, C>T on the plus strand (G>A on the coding strand, the complement: SYNE1 is on the minus strand). VCF-style: chr6-152330896-C-T. GRCh37 (hg19) VCF-style: chr6-152652031-C-T.
Other names: c.13789G>A (NM_182961.2); c.13576G>A, p.Glu4526Lys (NM_033071.5); short protein forms E4526K, E4597K.
Identifiers: ClinVar variation 289641 (VCV000289641.16), dbSNP rs371375804, ClinGen allele CA4056123.
Genomic context (GRCh38, chr6:152,330,896, plus strand): 5'-TTTCATATTCTGGAGATTGTTCAAGAATGTTTTGGTATTTAGCCAGTTGTGTATGAAGCT[C>T]AGAACTCTCATTCATTAGGTTGATTTCAGGAAATGTAACAATATCTGCTTGTTTTAGCCA-3'
Protein context (NP_892006.3, residues 4587-4607): PEINLMNESS[Glu4597Lys]LHTQLAKYQN